The following is an entry in ClinVar:

ClinVar aggregate classification (germline): Uncertain significance. Review status: criteria provided, multiple submitters, no conflicts (2 of 4 stars). 2 submissions from 2 submitters: Uncertain significance (2). Last evaluated 2022-12-07.

Conditions:
Hereditary cancer-predisposing syndrome. Also called: Hereditary neoplastic syndrome; Tumor predisposition; Neoplastic Syndromes, Hereditary; Hereditary Cancer Syndrome. Identifiers: Orphanet 140162, MedGen C0027672, MeSH D009386, MONDO:0015356.

Submissions (2):

Labcorp Genetics (formerly Invitae), Labcorp
Classification: Uncertain significance for Hereditary cancer-predisposing syndrome. Last evaluated: 2022-12-07. Review status: criteria provided, single submitter. Criteria: Invitae Variant Classification Sherloc (09022015). Collection method: clinical testing. Allele origin: germline.
Comment: In summary, the available evidence is currently insufficient to determine the role of this variant in disease. Therefore, it has been classified as a Variant of Uncertain Significance. Advanced modeling of protein sequence and biophysical properties (such as structural, functional, and spatial information, amino acid conservation, physicochemical variation, residue mobility, and thermodynamic stability) has been performed at Invitae for this missense variant, however the output from this modeling did not meet the statistical confidence thresholds required to predict the impact of this variant on RAD50 protein function. ClinVar contains an entry for this variant (Variation ID: 572104). This variant has not been reported in the literature in individuals affected with RAD50-related conditions. This variant is not present in population databases (gnomAD no frequency). This sequence change replaces glutamic acid, which is acidic and polar, with aspartic acid, which is acidic and polar, at codon 524 of the RAD50 protein (p.Glu524Asp).

Ambry Genetics
Classification: Uncertain significance for Hereditary cancer-predisposing syndrome. Last evaluated: 2022-09-25. Review status: criteria provided, single submitter. Criteria: Ambry Variant Classification Scheme 2023. Collection method: clinical testing. Allele origin: germline.
Comment: The p.E524D variant (also known as c.1572G>C), located in coding exon 10 of the RAD50 gene, results from a G to C substitution at nucleotide position 1572. The glutamic acid at codon 524 is replaced by aspartic acid, an amino acid with highly similar properties. This amino acid position is conserved. In addition, the in silico prediction for this alteration is inconclusive. Since supporting evidence is limited at this time, the clinical significance of this alteration remains unclear.

NM_005732.4(RAD50):c.1572G>C (p.Glu524Asp)

Gene: RAD50 (RAD50 double strand break repair protein; plus strand). Cytogenetic location: 5q31.1.
Variant type: single nucleotide variant.
Coding change: c.1572G>C on transcript NM_005732.4 (MANE Select); coding-DNA position 1572, G replaced by C.
Protein change: p.Glu524Asp; replaces glutamic acid 524 with aspartic acid.
Molecular consequence: missense variant.
Genome position (GRCh38, 1-based): chr5:132,591,343, G>C. VCF-style: chr5-132591343-G-C. GRCh37 (hg19) VCF-style: chr5-131927035-G-C.
Other names: short protein forms E524D.
Identifiers: ClinVar variation 572104 (VCV000572104.11), dbSNP rs1554098419, ClinGen allele CA360945950.